The following is an entry in ClinVar:

ClinVar aggregate classification (germline): Uncertain significance (1 of 4 stars; one submission).

Submission:

CeGaT Center for Human Genetics Tuebingen
Classification: Uncertain significance. Last evaluated: 2026-07-01. Review status: criteria provided, single submitter. Criteria: CeGaT Center For Human Genetics Tuebingen Variant Classification Criteria Version 2. Collection method: clinical testing. Allele origin: germline. Affected: yes. Observed: 1 variant allele.
Comment: DNA2: PM2

NM_001080449.3(DNA2):c.350T>A (p.Leu117Ter)

Gene: DNA2 (DNA replication helicase/nuclease 2; minus strand). Cytogenetic location: 10q21.3.
Variant type: single nucleotide variant.
Coding change: c.350T>A on transcript NM_001080449.3 (MANE Select); coding-DNA position 350, T replaced by A.
Protein change: p.Leu117Ter; replaces leucine 117 with a stop codon.
Molecular consequence: nonsense. On other transcripts: non-coding transcript variant (1).
Genome position (GRCh38, 1-based): chr10:68,468,214, A>T on the plus strand (T>A on the coding strand, the complement: DNA2 is on the minus strand). VCF-style: chr10-68468214-A-T. GRCh37 (hg19) VCF-style: chr10-70227971-A-T.
Other names: short protein forms L117*.
Identifiers: ClinVar variation 5040145 (VCV005040145.1).